The following is an entry in ClinVar:

ClinVar aggregate classification (germline): Likely pathogenic (1 of 4 stars; one submission).

Conditions:
Intellectual developmental disorder, X-linked 112 (XLID112). Identifiers: MedGen C5829589, MONDO:0957496, OMIM 301111.

Submission:

Victorian Clinical Genetics Services, Murdoch Childrens Research Institute
Classification: Likely pathogenic for Intellectual developmental disorder, X-linked 112. Last evaluated: 2024-09-19. Review status: criteria provided, single submitter. Criteria: ACMG Guidelines, 2015. Collection method: clinical testing. Allele origin: germline. Inheritance: X-linked recessive inheritance. Affected: yes.
Comment: Based on the classification scheme VCGS_Germline_v1.3.4, this variant is classified as Likely pathogenic. Following criteria are met: 0102 - Loss of function is a likely mechanism of disease in this gene and is associated with intellectual developmental disorder, X-linked 112 (MIM#301111). Chip-seq experiments on a missense variant indicated dramatically reduced genomic occupancy, supporting a hypomorphic effect (PMID: 36586412). However, a dominant negative mechanism hasn't been excluded. (I) 0109 - This gene is associated with X-linked recessive disease. (I) 0200 - Variant is predicted to result in a missense amino acid change from proline to glutamine. (I) 0253 - This variant is hemizygous. (I) 0301 - Variant is absent from gnomAD (both v2 and v3). (SP) 0502 - Missense variant with conflicting in silico predictions and very high conservation. (I) 0603 - Missense variant in a region that is highly intolerant to missense variation (high constraint region in DECIPHER). (SP) 0705 - No comparable missense variants have previous evidence for pathogenicity. (I) 0807 - This variant has no previous evidence of pathogenicity. (I) 0905 - No published segregation evidence has been identified for this variant. (I) 1007 - No published functional evidence has been identified for this variant. (SP) Legend: (SP) - Supporting pathogenic, (I) - Information, (SB) - Supporting benign

Literature cited by the submitters: PubMed 36586412.

NM_201599.3(ZMYM3):c.2609C>A (p.Pro870Gln)

Gene: ZMYM3 (zinc finger MYM-type containing 3; minus strand). Cytogenetic location: Xq13.1.
Variant type: single nucleotide variant.
Coding change: c.2609C>A on transcript NM_201599.3 (MANE Select); coding-DNA position 2609, C replaced by A.
Protein change: p.Pro870Gln; replaces proline 870 with glutamine.
Molecular consequence: missense variant.
Genome position (GRCh38, 1-based): chrX:71,246,062, G>T on the plus strand (C>A on the coding strand, the complement: ZMYM3 is on the minus strand). VCF-style: chrX-71246062-G-T. GRCh37 (hg19) VCF-style: chrX-70465912-G-T.
Other names: c.2573C>A, p.Pro858Gln (NM_001171162.1); c.2609C>A, p.Pro870Gln (NM_005096.3); short protein forms P858Q, P870Q.
Identifiers: ClinVar variation 3255096 (VCV003255096.2), dbSNP rs2519822410.